The following is an entry in ClinVar:

NM_005245.4(FAT1):c.2505G>C (p.Lys835Asn)

Gene: FAT1 (FAT atypical cadherin 1; minus strand). Cytogenetic location: 4q35.2.
Variant type: single nucleotide variant.
Coding change: c.2505G>C on transcript NM_005245.4 (MANE Select); coding-DNA position 2505, G replaced by C.
Protein change: p.Lys835Asn; replaces lysine 835 with asparagine.
Molecular consequence: missense variant.
Genome position (GRCh38, 1-based): chr4:186,707,323, C>G on the plus strand (G>C on the coding strand, the complement: FAT1 is on the minus strand). VCF-style: chr4-186707323-C-G. GRCh37 (hg19) VCF-style: chr4-187628477-C-G.
Other names: short protein forms K835N.
Identifiers: ClinVar variation 1981135 (VCV001981135.4), dbSNP rs2126687591, ClinGen allele CA358986690.

ClinVar aggregate classification (germline): Uncertain significance (1 of 4 stars; one submission).

Submission:

Labcorp Genetics (formerly Invitae), Labcorp
Classification: Uncertain significance. Last evaluated: 2025-06-16. Review status: criteria provided, single submitter. Criteria: Invitae Variant Classification Sherloc (09022015). Collection method: clinical testing. Allele origin: germline.
Comment: This sequence change replaces lysine, which is basic and polar, with asparagine, which is neutral and polar, at codon 835 of the FAT1 protein (p.Lys835Asn). This variant is not present in population databases (gnomAD no frequency). This variant has not been reported in the literature in individuals affected with FAT1-related conditions. ClinVar contains an entry for this variant (Variation ID: 1981135). Invitae Evidence Modeling of protein sequence and biophysical properties (such as structural, functional, and spatial information, amino acid conservation, physicochemical variation, residue mobility, and thermodynamic stability) indicates that this missense variant is expected to disrupt FAT1 protein function with a positive predictive value of 80%. In summary, the available evidence is currently insufficient to determine the role of this variant in disease. Therefore, it has been classified as a Variant of Uncertain Significance.